The following is an entry in ClinVar:

ClinVar aggregate classification (germline): Benign. Review status: criteria provided, multiple submitters, no conflicts (2 of 4 stars). 2 submissions from 2 submitters: Benign (2). Last evaluated 2018-06-13.

Allele frequency attached by ClinVar (database versions not stated): 1000 Genomes Project 0.07188; 1000 Genomes Project 30x 0.07495; TOPMed 0.11491; gnomAD 0.12886 and 0.13163.
gnomAD v4.1: 225,559 of 1,378,302 alleles (16%); highest among the groups gnomAD compares: Non-Finnish European, 19%; 20,762 homozygotes.

Submissions (2):

GeneDx
Classification: Benign. Last evaluated: 2018-06-13. Review status: criteria provided, single submitter. Criteria: GeneDx Variant Classification (06012015). Collection method: clinical testing. Allele origin: germline. Affected: yes.
Comment: This variant is considered likely benign or benign based on one or more of the following criteria: it is a conservative change, it occurs at a poorly conserved position in the protein, it is predicted to be benign by multiple in silico algorithms, and/or has population frequency not consistent with disease.

Breakthrough Genomics
Classification: Benign. Review status: criteria provided, single submitter. Criteria: ACMG Guidelines, 2015. Collection method: not provided. Allele origin: germline. Inheritance: Autosomal recessive inheritance. Affected: yes.

NM_006383.4(CIB2):c.51+74C>T

Gene: CIB2 (calcium and integrin binding family member 2; minus strand). Cytogenetic location: 15q25.1.
Variant type: single nucleotide variant.
Coding change: c.51+74C>T on transcript NM_006383.4 (MANE Select); 74 bases into the intron after coding-DNA position 51, C replaced by T.
Molecular consequence: intron variant.
Genome position (GRCh38, 1-based): chr15:78,131,091, G>A on the plus strand (C>T on the coding strand, the complement: CIB2 is on the minus strand). VCF-style: chr15-78131091-G-A. GRCh37 (hg19) VCF-style: chr15-78423433-G-A.
Other names: c.51+74C>T (NM_001271889.2, NM_001301224.2); c.-44+74C>T (NM_001271888.2).
Identifiers: ClinVar variation 682765 (VCV000682765.2), dbSNP rs112308337, ClinGen allele CA14203143.